The following is an entry in ClinVar:

NM_018684.4(ZC4H2):c.617G>T (p.Cys206Phe)

Gene: ZC4H2 (zinc finger C4H2-type containing; minus strand). Cytogenetic location: Xq11.2.
Variant type: single nucleotide variant.
Coding change: c.617G>T on transcript NM_018684.4 (MANE Select); coding-DNA position 617, G replaced by T.
Protein change: p.Cys206Phe; replaces cysteine 206 with phenylalanine.
Molecular consequence: missense variant. On other transcripts: non-coding transcript variant (1).
Genome position (GRCh38, 1-based): chrX:64,917,841, C>A on the plus strand (G>T on the coding strand, the complement: ZC4H2 is on the minus strand). VCF-style: chrX-64917841-C-A. GRCh37 (hg19) VCF-style: chrX-64137721-C-A.
Other names: c.548G>T, p.Cys183Phe (NM_001178032.3, NM_001243804.2); c.454G>T, p.Ala152Ser (NM_001178033.3); short protein forms C206F, A152S, C183F.
Identifiers: ClinVar variation 422398 (VCV000422398.4), dbSNP rs1064795753, ClinGen allele CA16621459.
Genomic context (GRCh38, chrX:64,917,841, plus strand): 5'-CTTTATTCATCCTGCTTCCGTTTCGGCTTTTTGGGGTTCCGGGACCGACTCTTGGCCTTG[C>A]AAAGAGGGCATATAGGTGCATTCCGGTGAATTTGCTGGTGACATGACAAGCAGGCCTGGT-3'
Protein context (NP_061154.1, residues 196-216): IHRNAPICPL[Cys206Phe]KAKSRSRNPK

ClinVar aggregate classification (germline): Likely pathogenic. Review status: criteria provided, single submitter (1 of 4 stars). 3 submissions from 3 submitters: Likely pathogenic (1). 2 of the submissions do not count toward it. Last evaluated 2016-10-05.

Conditions:
Wieacker-Wolff syndrome, female-restricted (WRWFFR). Identifiers: MedGen C5393303, MONDO:0026762, OMIM 301041.

Submissions (3):

GeneDx
Classification: Likely pathogenic. Last evaluated: 2016-10-05. Review status: criteria provided, single submitter. Criteria: GeneDx Variant Classification (06012015). Collection method: clinical testing. Allele origin: germline. Affected: yes.
Comment: The C206F variant in the ZC4H2 gene has not been reported previously as a pathogenic variant, nor as a benign variant, to our knowledge. The C206F variant was not observed in approximately 6,500 individuals of European and African American ancestry in the NHLBI Exome Sequencing Project, indicating it is not a common benign variant in these populations. The C206F variant is a non-conservative amino acid substitution, which is likely to impact secondary protein structure as these residues differ in polarity, charge, size and/or other properties. This substitution occurs at a position that is conserved across species. In silico analysis predicts this variant is probably damaging to the protein structure/function. As an alternate mechanism, some splice predictor models predict that c.617 G>T (aka C206F) may increase the strength of an existing splice acceptor site in intron 4 that is downstream of the natural splice acceptor site, which may cause abnormal gene splicing. However, in the absence of RNA/functional studies, the actual effect of c.617 G>T in this individual is unknown. The C206F variant is a strong candidate for a pathogenic variant.

Clinical Genetics Laboratory, University Hospital Schleswig-Holstein
Classification: Likely pathogenic for Wieacker-Wolff syndrome, female-restricted. Last evaluated: 2024-04-18. Review status: no assertion criteria provided. Collection method: clinical testing. Allele origin: germline. Affected: yes. Not counted in ClinVar's aggregate classification.

OMIM
Classification: Pathogenic for WIEACKER-WOLFF SYNDROME, FEMALE-RESTRICTED. Last evaluated: 2020-04-09. Review status: no assertion criteria provided. Collection method: literature only. Allele origin: germline. Not counted in ClinVar's aggregate classification.

Literature cited by the submitters: PubMed 31206972 (cited by OMIM).